The following is an entry in ClinVar:

ClinVar aggregate classification (germline): Uncertain significance (1 of 4 stars; one submission).

Conditions:
Perlman syndrome (PRLMNS). Identifiers: Orphanet 2849, MedGen C0796113, MONDO:0009965, OMIM 267000.

Allele frequency attached by ClinVar (database versions not stated): gnomAD exomes below 0.00001.
gnomAD v4.1: 2 of 1,613,904 alleles (0.00012%); highest among the groups gnomAD compares: South Asian, 0.0022%; no homozygotes.

Submission:

Labcorp Genetics (formerly Invitae), Labcorp
Classification: Uncertain significance for Perlman syndrome. Last evaluated: 2020-03-14. Review status: criteria provided, single submitter. Criteria: Invitae Variant Classification Sherloc (09022015). Collection method: clinical testing. Allele origin: germline.
Comment: This variant is not present in population databases (ExAC no frequency). In summary, the available evidence is currently insufficient to determine the role of this variant in disease. Therefore, it has been classified as a Variant of Uncertain Significance. Algorithms developed to predict the effect of missense changes on protein structure and function (SIFT, PolyPhen-2, Align-GVGD) all suggest that this variant is likely to be tolerated, but these predictions have not been confirmed by published functional studies and their clinical significance is uncertain. This variant has not been reported in the literature in individuals with DIS3L2-related conditions. This sequence change replaces alanine with valine at codon 759 of the DIS3L2 protein (p.Ala759Val). The alanine residue is moderately conserved and there is a small physicochemical difference between alanine and valine.

NM_152383.5(DIS3L2):c.2276C>T (p.Ala759Val)

Gene: DIS3L2 (DIS3 like 3'-5' exoribonuclease 2; plus strand). Cytogenetic location: 2q37.1.
Variant type: single nucleotide variant.
Coding change: c.2276C>T on transcript NM_152383.5 (MANE Select); coding-DNA position 2276, C replaced by T.
Protein change: p.Ala759Val; replaces alanine 759 with valine.
Molecular consequence: missense variant. On other transcripts: non-coding transcript variant (2), intron variant (1).
Genome position (GRCh38, 1-based): chr2:232,334,486, C>T. VCF-style: chr2-232334486-C-T. GRCh37 (hg19) VCF-style: chr2-233199196-C-T.
Other names: c.1582-8859C>T (NM_001257281.2); short protein forms A759V.
Identifiers: ClinVar variation 1011646 (VCV001011646.9), dbSNP rs1335621515, ClinGen allele CA350977859.
Genomic context (GRCh38, chr2:232,334,486, plus strand): 5'-GTAACGACCGCCGCATGGCGTCCAAGCGCGTGCAGGAGCTCAGTACCAGTCTCTTCTTTG[C>T]TGTTCTGGTCAAGGTGAGCCCTCCAGCCTGGTGCCCCTCACCTCCCTCTGGCTCCCGACC-3'
Protein context (NP_689596.4, residues 749-769): VQELSTSLFF[Ala759Val]VLVKESGPLE